The following is an entry in ClinVar:

ClinVar aggregate classification (germline): Uncertain significance (1 of 4 stars; one submission).

gnomAD v4.1: 6 of 1,614,128 alleles (0.00037%); highest among the groups gnomAD compares: African/African-American, 0.0067%; no homozygotes.

Submission:

Labcorp Genetics (formerly Invitae), Labcorp
Classification: Uncertain significance. Last evaluated: 2024-08-31. Review status: criteria provided, single submitter. Criteria: Invitae Variant Classification Sherloc (09022015). Collection method: clinical testing. Allele origin: germline.
Comment: This sequence change replaces threonine, which is neutral and polar, with serine, which is neutral and polar, at codon 1056 of the CDK13 protein (p.Thr1056Ser). This variant is not present in population databases (gnomAD no frequency). This variant has not been reported in the literature in individuals affected with CDK13-related conditions. Invitae Evidence Modeling of protein sequence and biophysical properties (such as structural, functional, and spatial information, amino acid conservation, physicochemical variation, residue mobility, and thermodynamic stability) indicates that this missense variant is not expected to disrupt CDK13 protein function with a negative predictive value of 95%. In summary, the available evidence is currently insufficient to determine the role of this variant in disease. Therefore, it has been classified as a Variant of Uncertain Significance.

NM_003718.5(CDK13):c.3166A>T (p.Thr1056Ser)

Gene: CDK13 (cyclin dependent kinase 13; plus strand). Cytogenetic location: 7p14.1.
Variant type: single nucleotide variant.
Coding change: c.3166A>T on transcript NM_003718.5 (MANE Select); coding-DNA position 3166, A replaced by T.
Protein change: p.Thr1056Ser; replaces threonine 1056 with serine.
Molecular consequence: missense variant.
Genome position (GRCh38, 1-based): chr7:40,088,262, A>T. VCF-style: chr7-40088262-A-T. GRCh37 (hg19) VCF-style: chr7-40127861-A-T.
Other names: c.3166A>T, p.Thr1056Ser (NM_031267.4); short protein forms T1056S.
Identifiers: ClinVar variation 3677702 (VCV003677702.2).